The following is an entry in ClinVar:

ClinVar aggregate classification (germline): Uncertain significance. Review status: criteria provided, multiple submitters, no conflicts (2 of 4 stars). 3 submissions from 3 submitters: Uncertain significance (3). Last evaluated 2025-10-22.

Conditions:
Vici syndrome (VICIS). Identifiers: Orphanet 1493, MedGen C1855772, MONDO:0009452, OMIM 242840.
Inborn genetic diseases. Identifiers: MedGen C0950123, MeSH D030342.

Allele frequency attached by ClinVar (database versions not stated): gnomAD 0.00001; gnomAD exomes 0.00001 and 0.00007; TOPMed 0.00003; ExAC 0.00008.
gnomAD v4.1: 22 of 1,613,820 alleles (0.0014%); highest among the groups gnomAD compares: Admixed American, 0.035%; no homozygotes.

Submissions (3):

Ambry Genetics
Classification: Uncertain significance for Inborn genetic diseases. Last evaluated: 2025-10-22. Review status: criteria provided, single submitter. Criteria: Ambry Variant Classification Scheme 2023. Collection method: clinical testing. Allele origin: germline.

Labcorp Genetics (formerly Invitae), Labcorp
Classification: Uncertain significance for Vici syndrome. Last evaluated: 2024-08-31. Review status: criteria provided, single submitter. Criteria: Invitae Variant Classification Sherloc (09022015). Collection method: clinical testing. Allele origin: germline.
Comment: This sequence change replaces glutamine, which is neutral and polar, with histidine, which is basic and polar, at codon 218 of the EPG5 protein (p.Gln218His). This variant is present in population databases (rs753111853, gnomAD 0.05%). This variant has not been reported in the literature in individuals affected with EPG5-related conditions. ClinVar contains an entry for this variant (Variation ID: 644596). Invitae Evidence Modeling of protein sequence and biophysical properties (such as structural, functional, and spatial information, amino acid conservation, physicochemical variation, residue mobility, and thermodynamic stability) indicates that this missense variant is not expected to disrupt EPG5 protein function with a negative predictive value of 80%. In summary, the available evidence is currently insufficient to determine the role of this variant in disease. Therefore, it has been classified as a Variant of Uncertain Significance.

Blueprint Genetics
Classification: Uncertain significance. Last evaluated: 2022-03-10. Review status: criteria provided, single submitter. Criteria: ACMG Guidelines, 2015. Collection method: clinical testing. Allele origin: germline.

NM_020964.3(EPG5):c.654G>T (p.Gln218His)

Gene: EPG5 (ectopic P-granules 5 autophagy tethering factor; minus strand). Cytogenetic location: 18q21.1.
Variant type: single nucleotide variant.
Coding change: c.654G>T on transcript NM_020964.3 (MANE Select); coding-DNA position 654, G replaced by T.
Protein change: p.Gln218His; replaces glutamine 218 with histidine.
Molecular consequence: missense variant.
Genome position (GRCh38, 1-based): chr18:45,954,748, C>A on the plus strand (G>T on the coding strand, the complement: EPG5 is on the minus strand). VCF-style: chr18-45954748-C-A. GRCh37 (hg19) VCF-style: chr18-43534714-C-A.
Other names: c.654G>T, p.Gln218His (LRG_1234t1); short protein forms Q218H.
Identifiers: ClinVar variation 644596 (VCV000644596.10), dbSNP rs753111853, ClinGen allele CA8949913.
Genomic context (GRCh38, chr18:45,954,748, plus strand): 5'-GCGAAGCAAGGGTTTCACTGCCACCAAAGCTGGTGCTTCTCCAGCAATTTCAGCTGGCAA[C>A]TGGGGATACAGTTTCTTCACTCTAGGTGTCTGAAAACCATGTTTGGCTGGGCAAGAACTC-3'
Protein context (NP_066015.2, residues 208-228): QTPRVKKLYP[Gln218His]LPAEIAGEAP